The following is an entry in ClinVar:

NM_031935.3(HMCN1):c.10958T>C (p.Ile3653Thr)

Gene: HMCN1 (hemicentin 1; plus strand). Cytogenetic location: 1q31.1.
Variant type: single nucleotide variant.
Coding change: c.10958T>C on transcript NM_031935.3 (MANE Select); coding-DNA position 10958, T replaced by C.
Protein change: p.Ile3653Thr; replaces isoleucine 3653 with threonine.
Molecular consequence: missense variant.
Genome position (GRCh38, 1-based): chr1:186,108,566, T>C. VCF-style: chr1-186108566-T-C. GRCh37 (hg19) VCF-style: chr1-186077698-T-C.
Other names: short protein forms I3653T.
Identifiers: ClinVar variation 875755 (VCV000875755.10), dbSNP rs746480984, ClinGen allele CA1293869.

ClinVar aggregate classification (germline): Uncertain significance. Review status: criteria provided, multiple submitters, no conflicts (2 of 4 stars). 4 submissions from 4 submitters: Uncertain significance (4). Last evaluated 2025-11-03.

Conditions:
Age related macular degeneration 1 (ARMD1). Also called: MACULOPATHY, AGE-RELATED, 1. Identifiers: MedGen C1864205, MONDO:0011285, OMIM 603075.

Allele frequency attached by ClinVar (database versions not stated): ExAC 0.00003; gnomAD exomes 0.00005 and 0.00009; gnomAD 0.00001; TOPMed 0.00001.
gnomAD v4.1: 134 of 1,613,956 alleles (0.0083%); highest among the groups gnomAD compares: South Asian, 0.018%; no homozygotes.

Submissions (4):

Ambry Genetics
Classification: Uncertain significance. Last evaluated: 2025-11-03. Review status: criteria provided, single submitter. Criteria: Ambry Variant Classification Scheme 2023. Collection method: clinical testing. Allele origin: germline.

Labcorp Genetics (formerly Invitae), Labcorp
Classification: Uncertain significance. Last evaluated: 2024-05-18. Review status: criteria provided, single submitter. Criteria: Invitae Variant Classification Sherloc (09022015). Collection method: clinical testing. Allele origin: germline.
Comment: This sequence change replaces isoleucine, which is neutral and non-polar, with threonine, which is neutral and polar, at codon 3653 of the HMCN1 protein (p.Ile3653Thr). This variant is present in population databases (rs746480984, gnomAD 0.02%). This variant has not been reported in the literature in individuals affected with HMCN1-related conditions. ClinVar contains an entry for this variant (Variation ID: 875755). An algorithm developed to predict the effect of missense changes on protein structure and function (PolyPhen-2) suggests that this variant is likely to be disruptive. In summary, the available evidence is currently insufficient to determine the role of this variant in disease. Therefore, it has been classified as a Variant of Uncertain Significance.

Genome-Nilou Lab
Classification: Uncertain significance for Age related macular degeneration 1. Last evaluated: 2023-04-11. Review status: criteria provided, single submitter. Criteria: ACMG Guidelines, 2015. Collection method: clinical testing. Allele origin: germline. Affected: no.

Illumina Laboratory Services, Illumina
Classification: Uncertain significance for Age related macular degeneration 1. Last evaluated: 2018-01-12. Review status: criteria provided, single submitter. Criteria: ICSL Variant Classification Criteria 13 December 2019. Collection method: clinical testing. Allele origin: germline.